The following is an entry in ClinVar:

ClinVar aggregate classification (germline): Uncertain significance (1 of 4 stars; one submission).

Conditions:
Epidermolysis bullosa simplex 5C, with pyloric atresia (EBS5C). Also called: Epidermolysis bullosa simplex with pyloric atresia; PLEC-Related Epidermolysis Bullosa with Pyloric Atresia; PLEC1-Related Epidermolysis Bullosa with Pyloric Atresia. Identifiers: Orphanet 158684, MedGen C2677349, MONDO:0012807, OMIM 612138.
Epidermolysis bullosa simplex 5B, with muscular dystrophy (EBS5B). Also called: Epidermolysis bullosa simplex with muscular dystrophy; EPIDERMOLYSIS BULLOSA SIMPLEX AND LIMB-GIRDLE MUSCULAR DYSTROPHY. Identifiers: Orphanet 257, MedGen C2931072, MONDO:0009181, OMIM 226670.
Epidermolysis bullosa simplex, Ogna type (EBS5A). Also called: Pidermolysis bullosa simplex 5A, Ogna type; EPIDERMOLYSIS BULLOSA SIMPLEX 5A, OGNA TYPE. Identifiers: Orphanet 79401, MedGen C0432317, MONDO:0007555, OMIM 131950.
Epidermolysis bullosa simplex with nail dystrophy (EBS5D). Identifiers: MedGen C4225309, MONDO:0014661, OMIM 616487.
Autosomal recessive limb-girdle muscular dystrophy type 2Q (LGMDR17). Also called: MUSCULAR DYSTROPHY, LIMB-GIRDLE, AUTOSOMAL RECESSIVE 17. Identifiers: Orphanet 254361, MedGen C3150989, MONDO:0013390, OMIM 613723.

Allele frequency attached by ClinVar (database versions not stated): gnomAD exomes below 0.00001 and 0.00001.
gnomAD v4.1: 8 of 1,612,406 alleles (0.0005%); highest among the groups gnomAD compares: Non-Finnish European, 0.00068%; no homozygotes.

Submission:

Labcorp Genetics (formerly Invitae), Labcorp
Classification: Uncertain significance for Autosomal recessive limb-girdle muscular dystrophy type 2Q; Epidermolysis bullosa simplex, Ogna type; Epidermolysis bullosa simplex with nail dystrophy; Epidermolysis bullosa simplex 5C, with pyloric atresia; Epidermolysis bullosa simplex 5B, with muscular dystrophy. Last evaluated: 2021-02-19. Review status: criteria provided, single submitter. Criteria: Invitae Variant Classification Sherloc (09022015). Collection method: clinical testing. Allele origin: germline.
Comment: This variant is not present in population databases (ExAC no frequency). This variant has not been reported in the literature in individuals with PLEC-related conditions. Algorithms developed to predict the effect of missense changes on protein structure and function are either unavailable or do not agree on the potential impact of this missense change (SIFT: "Deleterious"; PolyPhen-2: "Not Available"; Align-GVGD: "Class C0"). Algorithms developed to predict the effect of sequence changes on RNA splicing suggest that this variant may create or strengthen a splice site, but this prediction has not been confirmed by published transcriptional studies. In summary, the available evidence is currently insufficient to determine the role of this variant in disease. Therefore, it has been classified as a Variant of Uncertain Significance. This sequence change replaces methionine with valine at codon 122 of the PLEC protein (p.Met122Val). The methionine residue is highly conserved and there is a small physicochemical difference between methionine and valine.

NM_201384.3(PLEC):c.283A>G (p.Met95Val)

Gene: PLEC (plectin; minus strand). Cytogenetic location: 8q24.3.
Variant type: single nucleotide variant.
Coding change: c.283A>G on transcript NM_201384.3 (MANE Select); coding-DNA position 283, A replaced by G.
Protein change: p.Met95Val; replaces methionine 95 with valine.
Molecular consequence: missense variant.
Genome position (GRCh38, 1-based): chr8:143,937,224, T>C on the plus strand (A>G on the coding strand, the complement: PLEC is on the minus strand). VCF-style: chr8-143937224-T-C. GRCh37 (hg19) VCF-style: chr8-145011392-T-C.
Other names: c.364A>G, p.Met122Val (NM_000445.5); c.241A>G, p.Met81Val (NM_201378.4); c.217A>G, p.Met73Val (NM_201379.3); c.694A>G, p.Met232Val (NM_201380.4); c.187A>G, p.Met63Val (NM_201381.3); c.283A>G, p.Met95Val (NM_201382.4); c.295A>G, p.Met99Val (NM_201383.3); short protein forms M232V, M122V, M63V, M95V, M81V, M99V, M73V.
Identifiers: ClinVar variation 656324 (VCV000656324.6), dbSNP rs1554724241, ClinGen allele CA372591367.